The following is an entry in ClinVar:

NM_012470.4(TNPO3):c.552+4A>C

Gene: TNPO3 (transportin 3; minus strand). Cytogenetic location: 7q32.1.
Variant type: single nucleotide variant.
Coding change: c.552+4A>C on transcript NM_012470.4 (MANE Select); 4 bases into the intron after coding-DNA position 552, A replaced by C.
Molecular consequence: intron variant.
Genome position (GRCh38, 1-based): chr7:129,014,975, T>G on the plus strand (A>C on the coding strand, the complement: TNPO3 is on the minus strand). VCF-style: chr7-129014975-T-G. GRCh37 (hg19) VCF-style: chr7-128655029-T-G.
Other names: c.552+4A>C (NM_001382221.1, NM_001382222.1, NM_001382219.1 and 5 more transcripts); c.633+4A>C (NM_001382217.1).
Identifiers: ClinVar variation 1948620 (VCV001948620.5), dbSNP rs1225842194, ClinGen allele CA577731767.

ClinVar aggregate classification (germline): Uncertain significance (1 of 4 stars; one submission).

Conditions:
Autosomal dominant limb-girdle muscular dystrophy type 1F (LGMDD2). Also called: MUSCULAR DYSTROPHY, LIMB-GIRDLE, AUTOSOMAL DOMINANT 2; Limb-girdle muscular dystrophy, type 1F. Identifiers: Orphanet 55595, MedGen C1842062, MONDO:0012034, OMIM 608423.

Allele frequency attached by ClinVar (database versions not stated): gnomAD exomes below 0.00001.
gnomAD v4.1: 1 of 1,557,748 alleles (0.000064%); highest among the groups gnomAD compares: Admixed American, 0.0023%; no homozygotes.

Submission:

Labcorp Genetics (formerly Invitae), Labcorp
Classification: Uncertain significance for Autosomal dominant limb-girdle muscular dystrophy type 1F. Last evaluated: 2022-07-27. Review status: criteria provided, single submitter. Criteria: Invitae Variant Classification Sherloc (09022015). Collection method: clinical testing. Allele origin: germline.
Comment: This sequence change falls in intron 4 of the TNPO3 gene. It does not directly change the encoded amino acid sequence of the TNPO3 protein. It affects a nucleotide within the consensus splice site. This variant is present in population databases (no rsID available, gnomAD 0.005%). This variant has been observed in individual(s) with TNPO3-related conditions (Invitae). Variants that disrupt the consensus splice site are a relatively common cause of aberrant splicing (PMID: 17576681, 9536098). Algorithms developed to predict the effect of sequence changes on RNA splicing suggest that this variant may create or strengthen a splice site. In summary, the available evidence is currently insufficient to determine the role of this variant in disease. Therefore, it has been classified as a Variant of Uncertain Significance.

Literature cited by the submitters: PubMed 17576681; PubMed 9536098.